The following is an entry in ClinVar:

NM_206933.4(USH2A):c.9814C>T (p.Pro3272Ser)

Gene: USH2A (usherin; minus strand). Cytogenetic location: 1q41.
Variant type: single nucleotide variant.
Coding change: c.9814C>T on transcript NM_206933.4 (MANE Select); coding-DNA position 9814, C replaced by T.
Protein change: p.Pro3272Ser; replaces proline 3272 with serine.
Molecular consequence: missense variant.
Genome position (GRCh38, 1-based): chr1:215,799,051, G>A on the plus strand (C>T on the coding strand, the complement: USH2A is on the minus strand). VCF-style: chr1-215799051-G-A. GRCh37 (hg19) VCF-style: chr1-215972393-G-A.
Other names: short protein forms P3272S.
Identifiers: ClinVar variation 666951 (VCV000666951.4), dbSNP rs1198810318, ClinGen allele CA344849536.

ClinVar aggregate classification (germline): Uncertain significance (1 of 4 stars; one submission).

Submission:

Laboratory for Molecular Medicine, Mass General Brigham Personalized Medicine
Classification: Uncertain significance. Last evaluated: 2018-07-25. Review status: criteria provided, single submitter. Criteria: LMM Criteria. Collection method: clinical testing. Allele origin: germline. Observed: 1 variant allele.
Comment: The p.Pro3272Ser variant in USH2A has not been previously reported in individual s with hearing loss or Usher syndrome. Data from large population studies is ins ufficient to assess the frequency of this variant. Computational prediction tool s and conservation analysis suggest that the p.Pro3272Ser variant may impact the protein, though this information is not predictive enough to determine pathogen icity. In summary, the clinical significance of the p.Pro3272Ser variant is unce rtain. ACMG/AMP Criteria applied: PP3.